The following is an entry in ClinVar:

ClinVar aggregate classification (germline): Uncertain significance. Review status: criteria provided, multiple submitters, no conflicts (2 of 4 stars). 3 submissions from 3 submitters: Uncertain significance (3). Last evaluated 2026-01-07.

Conditions:
Age related macular degeneration 1 (ARMD1). Also called: MACULOPATHY, AGE-RELATED, 1. Identifiers: MedGen C1864205, MONDO:0011285, OMIM 603075.

Allele frequency attached by ClinVar (database versions not stated): ExAC 0.00006; gnomAD exomes 0.00006; ESP Exome Variant Server 0.00008; gnomAD 0.00009; TOPMed 0.00011; 1000 Genomes Project 30x 0.00016; 1000 Genomes Project 0.00020.
gnomAD v4.1: 105 of 1,613,970 alleles (0.0065%); highest among the groups gnomAD compares: Middle Eastern, 0.066%; 1 homozygote.

Submissions (3):

Labcorp Genetics (formerly Invitae), Labcorp
Classification: Uncertain significance. Last evaluated: 2026-01-07. Review status: criteria provided, single submitter. Criteria: Invitae Variant Classification Sherloc (09022015). Collection method: clinical testing. Allele origin: germline.
Comment: This sequence change replaces asparagine, which is neutral and polar, with serine, which is neutral and polar, at codon 584 of the HMCN1 protein (p.Asn584Ser). This variant is present in population databases (rs143393655, gnomAD 0.02%). This missense change has been observed in individuals with HMCN1-related conditions (internal data). ClinVar contains an entry for this variant (Variation ID: 875445). An algorithm developed to predict the effect of missense changes on protein structure and function outputs the following: PolyPhen-2: "Benign". The serine amino acid residue is found in multiple mammalian species, which suggests that this missense change does not adversely affect protein function. In summary, the available evidence is currently insufficient to determine the role of this variant in disease. Therefore, it has been classified as a Variant of Uncertain Significance.

Genome-Nilou Lab
Classification: Uncertain significance for Age related macular degeneration 1. Last evaluated: 2023-04-11. Review status: criteria provided, single submitter. Criteria: ACMG Guidelines, 2015. Collection method: clinical testing. Allele origin: germline. Affected: no.

Illumina Laboratory Services, Illumina
Classification: Uncertain significance for Age related macular degeneration 1. Last evaluated: 2018-01-13. Review status: criteria provided, single submitter. Criteria: ICSL Variant Classification Criteria 13 December 2019. Collection method: clinical testing. Allele origin: germline.

NM_031935.3(HMCN1):c.1751A>G (p.Asn584Ser)

Gene: HMCN1 (hemicentin 1; plus strand). Cytogenetic location: 1q31.1.
Variant type: single nucleotide variant.
Coding change: c.1751A>G on transcript NM_031935.3 (MANE Select); coding-DNA position 1751, A replaced by G.
Protein change: p.Asn584Ser; replaces asparagine 584 with serine.
Molecular consequence: missense variant.
Genome position (GRCh38, 1-based): chr1:185,933,747, A>G. VCF-style: chr1-185933747-A-G. GRCh37 (hg19) VCF-style: chr1-185902879-A-G.
Other names: short protein forms N584S.
Identifiers: ClinVar variation 875445 (VCV000875445.10), dbSNP rs143393655, ClinGen allele CA1291192.